The following is an entry in ClinVar:

ClinVar aggregate classification (germline): Pathogenic. Review status: criteria provided, multiple submitters, no conflicts (2 of 4 stars). 5 submissions from 5 submitters: Pathogenic (5). Last evaluated 2024-05-06.

Conditions:
Autosomal recessive limb-girdle muscular dystrophy. Identifiers: Orphanet 102015, MedGen C2931907, MONDO:0015152.
Autosomal recessive limb-girdle muscular dystrophy type 2D (LGMDR3). Also called: ADHALINOPATHY, PRIMARY; MUSCULAR DYSTROPHY, LIMB-GIRDLE, AUTOSOMAL RECESSIVE 3; DUCHENNE-LIKE AUTOSOMAL RECESSIVE MUSCULAR DYSTROPHY, TYPE 2. Identifiers: Orphanet 62, MedGen C2936332, MONDO:0011968, OMIM 608099. Disease mechanism: Affects gamma-sarcoglycan and also disrupts the integrity of the entire sarcoglycan complex..

Allele frequency attached by ClinVar (database versions not stated): gnomAD 0.00001.

Submissions (5):

Natera, Inc.
Classification: Pathogenic for Limb-girdle muscular dystrophy type 2D. Last evaluated: 2024-05-06. Review status: criteria provided, single submitter. Criteria: Natera Variant Classification Schema (03/2026). Collection method: clinical testing. Allele origin: germline.
Comment: The c.530delC variant in SGCA is a frameshift variant predicted to shift the reading frame beginning at codon 177 and leads to a stop codon 34 codons downstream. This variant is expected to result in nonsense mediated decay, truncation, or a dysfunctional protein product. This variant is rare in the general population with a frequency below the threshold expected for the associated phenotype(s). This variant has been observed in one or more individuals affected with the associated recessive disease, as either homozygous or compound heterozygous with a second variant (PMID: 18285821). Given the available evidence, this variant is classified as Pathogenic.

Genome-Nilou Lab
Classification: Pathogenic for Autosomal recessive limb-girdle muscular dystrophy type 2D. Last evaluated: 2023-02-08. Review status: criteria provided, single submitter. Criteria: ACMG Guidelines, 2015. Collection method: clinical testing. Allele origin: germline.

Women's Health and Genetics/Laboratory Corporation of America, LabCorp
Classification: Pathogenic for Autosomal recessive limb-girdle muscular dystrophy. Last evaluated: 2023-01-05. Review status: criteria provided, single submitter. Criteria: LabCorp Variant Classification Summary - May 2015. Collection method: clinical testing. Allele origin: germline.
Comment: Variant summary: SGCA c.530delC (p.Ser177LeufsX34) results in a premature termination codon, predicted to cause a truncation of the encoded protein or absence of the protein due to nonsense mediated decay, which are commonly known mechanisms for disease. Truncations downstream of this position have been classified as pathogenic within ClinVar (e.g. c.574C>T [p.Arg192Ter], c.790_791dup [p.Gly265fs]). Downstream missense variants have also been classified as pathogenic by our laboratory, suggesting that regions after this premature termination are important for normal protein function. The variant was absent in 194982 control chromosomes (gnomAD). c.530delC has been reported in the literature in at least one homozygous individual affected with Limb-Girdle Muscular Dystrophy, Autosomal Recessive (Trabelsi_2008). These data indicate that the variant may be associated with disease. Immunoblotting results from this homozygous patient confirmed the variant results in absence of the alpha-sarcoglycan gene and reduced levels of the gamma-sarcoglycan (Trabelsi_2008). Two ClinVar submitters have assessed the variant since 2014: both classified the variant as pathogenic. Based on the evidence outlined above, the variant was classified as pathogenic.

GeneDx
Classification: Pathogenic. Last evaluated: 2017-06-26. Review status: criteria provided, single submitter. Criteria: GeneDx Variant Classification (06012015). Collection method: clinical testing. Allele origin: germline. Affected: yes.
Comment: The c.530delC pathogenic variant in the SGCA gene has been reported previously in an individual with severe limb-girdle muscular dystrophy and complete absence of alpha-sarcoglycan protein on Western blot of muscle protein who was homozygous for this variant (Trabelsi et al., 2008). The deletion causes a frameshift starting with codon Serine 177, changes this amino acid to a Leucine residue and creates a premature Stop codon at position 34 of the new reading frame, denoted p.Ser177LeufsX34. This pathogenic variant is predicted to cause loss of normal protein function either through protein truncation or nonsense-mediated mRNA decay. Furthermore, the c.530delC pathogenic variant was not observed in approximately 6,500 individuals of European and African American ancestry in the NHLBI Exome Sequencing Project, indicating it is not a common benign variant in these populations. Therefore, c.530delC is considered a pathogenic variant.

Eurofins Ntd Llc (ga)
Classification: Pathogenic. Last evaluated: 2016-08-25. Review status: criteria provided, single submitter. Criteria: EGL Classification Definitions 2015. Collection method: clinical testing. Allele origin: germline. Observed: 1 variant allele, 1 heterozygote.

Literature cited by the submitters: PubMed 18285821 (cited by Natera, Inc. and Women's Health and Genetics/Laboratory Corporation of America, LabCorp).

NM_000023.4(SGCA):c.530del (p.Ser177fs)

Gene: SGCA (sarcoglycan alpha; plus strand). Cytogenetic location: 17q21.33.
Variant type: Deletion.
Coding change: c.530del on transcript NM_000023.4 (MANE Select); coding-DNA position 530, one base deleted (C; older notation c.530delC).
Protein change: p.Ser177fs; shifts the reading frame from serine 177.
Molecular consequence: frameshift variant. On other transcripts: non-coding transcript variant (1).
Genome position (GRCh38, 1-based): chr17:50,168,518, C deleted. VCF-style (leftmost placement, unchanged base first): chr17-50168517-TC-T. GRCh37 (hg19) VCF-style: chr17-48245878-TC-T.
Other names: c.530del, p.Ser177fs (NM_001135697.3); c.530delC (NM_000023.3); short protein forms S177fs.
Identifiers: ClinVar variation 280105 (VCV000280105.13), dbSNP rs886041387, ClinGen allele CA10603379.